The following is an entry in ClinVar:

ClinVar aggregate classification (germline): Likely pathogenic (1 of 4 stars; one submission).

Conditions:
Skeletal overgrowth-craniofacial dysmorphism-hyperelastic skin-white matter lesions syndrome. Also called: SKELETAL OVERGROWTH WITH FACIAL DYSMORPHISM, HYPERELASTIC SKIN, WHITE MATTER LESIONS, AND NEUROLOGIC DETERIORATION; Kosaki overgrowth syndrome. Identifiers: Orphanet 477831, MedGen C4225270, MONDO:0014704, OMIM 616592.
Acroosteolysis-keloid-like lesions-premature aging syndrome. Also called: Premature aging syndrome, Penttinen type; Prematurely aged appearance, delayed bone maturation, acro-osteolysis, and brachydactyly; Progeroid syndrome, Penttinen type. Identifiers: Orphanet 363665, MedGen C1866182, MONDO:0011150, OMIM 601812.
Infantile myofibromatosis (IMF). Also called: Congenital generalized fibromatosis. Identifiers: Orphanet 2591, MedGen C0432284, MONDO:0016824.
Basal ganglia calcification, idiopathic, 4 (PFBC4). Also called: Familial Idiopathic Basal Ganglia Calcification 4; PRIMARY FAMILIAL BRAIN CALCIFICATION 4, AUTOSOMAL DOMINANT. Identifiers: Orphanet 1980, MedGen C3554321, MONDO:0014004, OMIM 615007.

Submission:

Labcorp Genetics (formerly Invitae), Labcorp
Classification: Likely pathogenic for Basal ganglia calcification, idiopathic, 4; Skeletal overgrowth-craniofacial dysmorphism-hyperelastic skin-white matter lesions syndrome; Infantile myofibromatosis; Acroosteolysis-keloid-like lesions-premature aging syndrome. Last evaluated: 2025-09-04. Review status: criteria provided, single submitter. Criteria: Invitae Variant Classification Sherloc (09022015). Collection method: clinical testing. Allele origin: germline.
Comment: This sequence change affects the initiator codon of the PDGFRB mRNA. This change may impact translation initiation or efficiency. The next in-frame methionine is located at codon 7. This variant is present in population databases (rs767931903, gnomAD 0.003%). Disruption of the initiator codon has been observed in individual(s) with PDGFRB-related conditions (PMID: 28298627). It has also been observed to segregate with disease in related individuals. Algorithms developed to predict the effect of variants on gene product structure and function are not available or were not evaluated for this variant. Experimental studies have shown that disruption of the initiator codon affects PDGFRB function (PMID: 34494111). In summary, the currently available evidence indicates that the variant is pathogenic, but additional data are needed to prove that conclusively. Therefore, this variant has been classified as Likely Pathogenic.

Literature cited by the submitters: PubMed 28298627; PubMed 34494111.

NM_002609.4(PDGFRB):c.1A>G (p.Met1Val)

Gene: PDGFRB (platelet derived growth factor receptor beta; minus strand). Cytogenetic location: 5q32.
Variant type: single nucleotide variant.
Coding change: c.1A>G on transcript NM_002609.4 (MANE Select); coding-DNA position 1, A replaced by G.
Protein change: p.Met1Val; changes the start codon (methionine 1).
Molecular consequence: missense variant, initiator codon variant. On other transcripts: 5 prime UTR variant (1), intron variant (1).
Genome position (GRCh38, 1-based): chr5:150,137,047, T>C on the plus strand (A>G on the coding strand, the complement: PDGFRB is on the minus strand). VCF-style: chr5-150137047-T-C. GRCh37 (hg19) VCF-style: chr5-149516610-T-C.
Other names: c.-517A>G (NM_001355017.2); c.-152-1169A>G (NM_001355016.2); short protein forms M1V.
Identifiers: ClinVar variation 4794434 (VCV004794434.1).